The following is an entry in ClinVar:

ClinVar aggregate classification (germline): Uncertain significance (1 of 4 stars; one submission).

Conditions:
Hereditary cancer-predisposing syndrome. Also called: Hereditary Cancer Syndrome; Hereditary neoplastic syndrome; Neoplastic Syndromes, Hereditary; Tumor predisposition. Identifiers: Orphanet 140162, MedGen C0027672, MeSH D009386, MONDO:0015356.

gnomAD v4.1: 1 of 1,614,102 alleles (0.000062%); highest among the groups gnomAD compares: Middle Eastern, 0.016%; no homozygotes.

Submission:

Ambry Genetics
Classification: Uncertain significance for Hereditary cancer-predisposing syndrome. Last evaluated: 2026-07-13. Review status: criteria provided, single submitter. Criteria: Ambry Variant Classification Scheme 2023. Collection method: clinical testing. Allele origin: germline.
Comment: The p.M367T variant (also known as c.1100T>C), located in coding exon 8 of the PTCH1 gene, results from a T to C substitution at nucleotide position 1100. The methionine at codon 367 is replaced by threonine, an amino acid with similar properties. This amino acid position is conserved. In addition, this alteration is predicted to be deleterious by in silico analysis. Based on the available evidence, the clinical significance of this variant remains unclear.

NM_000264.5(PTCH1):c.1100T>C (p.Met367Thr)

Gene: PTCH1 (patched 1; minus strand). Cytogenetic location: 9q22.32.
Variant type: single nucleotide variant.
Coding change: c.1100T>C on transcript NM_000264.5 (MANE Select); coding-DNA position 1100, T replaced by C.
Protein change: p.Met367Thr; replaces methionine 367 with threonine.
Molecular consequence: missense variant. On other transcripts: non-coding transcript variant (1).
Genome position (GRCh38, 1-based): chr9:95,479,115, A>G on the plus strand (T>C on the coding strand, the complement: PTCH1 is on the minus strand). VCF-style: chr9-95479115-A-G. GRCh37 (hg19) VCF-style: chr9-98241397-A-G.
Other names: c.647T>C, p.Met216Thr (NM_001083604.3, NM_001083605.3, NM_001083606.3 and 1 more transcripts); c.1100T>C, p.Met367Thr (NM_001354918.2); c.902T>C, p.Met301Thr (NM_001083602.3); c.1097T>C, p.Met366Thr (NM_001083603.3); short protein forms M216T, M301T, M367T, M366T.
Identifiers: ClinVar variation 4675411 (VCV004675411.2).
Genomic context (GRCh38, chr9:95,479,115, plus strand): 5'-CAGTTGATGTGTGAGACATACTCGTACCCCTTGAAGTGCTCGTACATTTGCTTGGGAGTC[A>G]TTAACTGGAACATGGTCTGCAGGGCATGGGCGCTGCAGCACAGTCCAAGGGAAGGCACAT-3'
Protein context (NP_000255.2, residues 357-377): AHALQTMFQL[Met367Thr]TPKQMYEHFK